The following is an entry in ClinVar:

ClinVar aggregate classification (germline): Conflicting classifications of pathogenicity. Review status: criteria provided, conflicting classifications (1 of 4 stars). 2 submissions from 2 submitters: Likely pathogenic (1); Uncertain significance (1). Last evaluated 2024-10-03.

Conditions:
Gastrointestinal stromal tumor. Also called: Gastrointestinal stromal tumor, somatic; Gastrointestinal stroma tumor. Identifiers: Orphanet 44890, MedGen C0238198, MeSH D046152, MONDO:0011719, OMIM 606764, HP:0100723.
Hereditary cancer-predisposing syndrome. Also called: Neoplastic Syndromes, Hereditary; Tumor predisposition; Hereditary Cancer Syndrome; Hereditary neoplastic syndrome. Identifiers: Orphanet 140162, MedGen C0027672, MeSH D009386, MONDO:0015356.

Submissions (2):

Ambry Genetics
Classification: Likely pathogenic for Hereditary cancer-predisposing syndrome. Last evaluated: 2024-10-03. Review status: criteria provided, single submitter. Criteria: Ambry Variant Classification Scheme 2023. Collection method: clinical testing. Allele origin: germline.
Comment: The p.Y553S variant (also known as c.1658A>C), located in coding exon 11 of the KIT gene, results from an A to C substitution at nucleotide position 1658. The tyrosine at codon 553 is replaced by serine, an amino acid with dissimilar properties. This variant has been observed in at least one individual with a personal and/or family history that is consistent with KIT-associated disease (Ambry internal data). Based on internal structural analysis, Y553S is deleterious. The variant is moderately destabilizing to the local structure (Ambry internal data). This amino acid position is highly conserved in available vertebrate species. In addition, this alteration is predicted to be deleterious by in silico analysis. This variant is considered to be rare based on population cohorts in the Genome Aggregation Database (gnomAD). Based on the majority of available evidence to date, this variant is likely to be pathogenic.

Labcorp Genetics (formerly Invitae), Labcorp
Classification: Uncertain significance for Gastrointestinal stromal tumor. Last evaluated: 2024-09-03. Review status: criteria provided, single submitter. Criteria: Invitae Variant Classification Sherloc (09022015). Collection method: clinical testing. Allele origin: germline.
Comment: This sequence change replaces tyrosine, which is neutral and polar, with serine, which is neutral and polar, at codon 553 of the KIT protein (p.Tyr553Ser). This variant is not present in population databases (gnomAD no frequency). This variant has not been reported in the literature in individuals affected with KIT-related conditions. An algorithm developed to predict the effect of missense changes on protein structure and function (PolyPhen-2) suggests that this variant is likely to be disruptive. In summary, the available evidence is currently insufficient to determine the role of this variant in disease. Therefore, it has been classified as a Variant of Uncertain Significance.

NM_000222.3(KIT):c.1658A>C (p.Tyr553Ser)

Gene: KIT (KIT proto-oncogene, receptor tyrosine kinase; plus strand). Cytogenetic location: 4q12.
Variant type: single nucleotide variant.
Coding change: c.1658A>C on transcript NM_000222.3 (MANE Select); coding-DNA position 1658, A replaced by C.
Protein change: p.Tyr553Ser; replaces tyrosine 553 with serine.
Molecular consequence: missense variant.
Genome position (GRCh38, 1-based): chr4:54,727,426, A>C. VCF-style: chr4-54727426-A-C. GRCh37 (hg19) VCF-style: chr4-55593592-A-C.
Other names: c.1649A>C, p.Tyr550Ser (NM_001385292.1, NM_001385288.1); c.1646A>C, p.Tyr549Ser (NM_001093772.2, NM_001385286.1); c.1661A>C, p.Tyr554Ser (NM_001385284.1, NM_001385290.1); c.1658A>C, p.Tyr553Ser (NM_001385285.1); short protein forms Y549S, Y553S, Y550S, Y554S.
Identifiers: ClinVar variation 3534711 (VCV003534711.3).